The following is an entry in ClinVar:

NM_003072.5(SMARCA4):c.40_41delinsGA (p.Pro14Glu)

Gene: SMARCA4 (SWI/SNF related BAF chromatin remodeling complex subunit ATPase 4; plus strand). Cytogenetic location: 19p13.2.
Variant type: Indel.
Coding change: c.40_41delinsGA on transcript NM_003072.5 (MANE Select); coding-DNA positions 40 to 41, CC replaced by GA.
Protein change: p.Pro14Glu; replaces proline 14 with glutamic acid.
Molecular consequence: missense variant. On other transcripts: non-coding transcript variant (1).
Genome position (GRCh38, 1-based): chr19:10,984,191-10,984,192, CC replaced by GA. VCF-style: chr19-10984191-CC-GA. GRCh37 (hg19) VCF-style: chr19-11094867-CC-GA.
Other names: c.40_41delinsGA, p.Pro14Glu (NM_001128844.3, NM_001128845.2, NM_001128846.2 and 5 more transcripts); short protein forms P14E.
Identifiers: ClinVar variation 1060182 (VCV001060182.7), dbSNP rs2145721177, ClinGen allele CA2499225261.

ClinVar aggregate classification (germline): Uncertain significance (1 of 4 stars; one submission).

Conditions:
Rhabdoid tumor predisposition syndrome 2 (RTPS2). Identifiers: Orphanet 231108, Orphanet 69077, MedGen C2750074, MONDO:0013224, OMIM 613325.

Submission:

Labcorp Genetics (formerly Invitae), Labcorp
Classification: Uncertain significance for Rhabdoid tumor predisposition syndrome 2. Last evaluated: 2020-10-06. Review status: criteria provided, single submitter. Criteria: Invitae Variant Classification Sherloc (09022015). Collection method: clinical testing. Allele origin: germline.
Comment: In summary, the available evidence is currently insufficient to determine the role of this variant in disease. Therefore, it has been classified as a Variant of Uncertain Significance. Experimental studies and prediction algorithms are not available or were not evaluated, and the functional significance of this variant is currently unknown. This variant has not been reported in the literature in individuals with SMARCA4-related conditions. The frequency data for this variant in the population databases is not available, as this variant may be reported as separate entries in the ExAC database. This sequence change replaces proline with glutamic acid at codon 14 of the SMARCA4 protein (p.Pro14Glu). The proline residue is weakly conserved and there is a moderate physicochemical difference between proline and glutamic acid.